The following is an entry in ClinVar:

NM_001206999.2(CIT):c.4691C>A (p.Pro1564Gln)

Gene: CIT (citron rho-interacting serine/threonine kinase; minus strand). Cytogenetic location: 12q24.23.
Variant type: single nucleotide variant.
Coding change: c.4691C>A on transcript NM_001206999.2 (MANE Select); coding-DNA position 4691, C replaced by A.
Protein change: p.Pro1564Gln; replaces proline 1564 with glutamine.
Molecular consequence: missense variant.
Genome position (GRCh38, 1-based): chr12:119,712,341, G>T on the plus strand (C>A on the coding strand, the complement: CIT is on the minus strand). VCF-style: chr12-119712341-G-T. GRCh37 (hg19) VCF-style: chr12-120150146-G-T.
Other names: c.4565C>A, p.Pro1522Gln (NM_007174.3); short protein forms P1522Q, P1564Q.
Identifiers: ClinVar variation 1030300 (VCV001030300.4), dbSNP rs564447434, ClinGen allele CA6821128.

ClinVar aggregate classification (germline): Uncertain significance. Review status: criteria provided, multiple submitters, no conflicts (2 of 4 stars). 3 submissions from 3 submitters: Uncertain significance (3). Last evaluated 2024-09-06.

Conditions:
Inborn genetic diseases. Identifiers: MedGen C0950123, MeSH D030342.
Microcephaly 17, primary, autosomal recessive (MCPH17). Identifiers: Orphanet 2512, MedGen C4310723, MONDO:0014908, OMIM 617090.

Allele frequency attached by ClinVar (database versions not stated): gnomAD exomes 0.00007; TOPMed 0.00009; ExAC 0.00012.
gnomAD v4.1: 384 of 1,610,078 alleles (0.024%); highest among the groups gnomAD compares: Non-Finnish European, 0.031%; no homozygotes.

Submissions (3):

Ambry Genetics
Classification: Uncertain significance for Inborn genetic diseases. Last evaluated: 2024-09-06. Review status: criteria provided, single submitter. Criteria: Ambry Variant Classification Scheme 2023. Collection method: clinical testing. Allele origin: germline.

GeneDx
Classification: Uncertain significance. Last evaluated: 2020-01-23. Review status: criteria provided, single submitter. Criteria: GeneDx Variant Classification Process June 2021. Collection method: clinical testing. Allele origin: germline. Affected: yes.
Comment: In silico analysis, which includes protein predictors and evolutionary conservation, supports a deleterious effect; Has not been previously published as pathogenic or benign to our knowledge

Baylor Genetics
Classification: Uncertain significance for Microcephaly 17, primary, autosomal recessive. Last evaluated: 2019-09-06. Review status: criteria provided, single submitter. Criteria: ACMG Guidelines, 2015. Collection method: clinical testing. Allele origin: unknown. Affected: yes.
Comment: This variant was determined to be of uncertain significance according to ACMG Guidelines, 2015 [PMID:25741868].